The following is an entry in ClinVar:

ClinVar aggregate classification (germline): Uncertain significance. Review status: criteria provided, multiple submitters, no conflicts (2 of 4 stars). 2 submissions from 2 submitters: Uncertain significance (2). Last evaluated 2024-10-15.

Allele frequency attached by ClinVar (database versions not stated): gnomAD exomes below 0.00001; ExAC 0.00001; gnomAD 0.00001; TOPMed 0.00001; ESP Exome Variant Server 0.00008.
gnomAD v4.1: 3 of 1,613,090 alleles (0.00019%); highest among the groups gnomAD compares: African/African-American, 0.0013%; no homozygotes.

Submissions (2):

Labcorp Genetics (formerly Invitae), Labcorp
Classification: Uncertain significance. Last evaluated: 2024-10-15. Review status: criteria provided, single submitter. Criteria: Invitae Variant Classification Sherloc (09022015). Collection method: clinical testing. Allele origin: germline.
Comment: This sequence change replaces glutamine, which is neutral and polar, with lysine, which is basic and polar, at codon 1664 of the MYO15A protein (p.Gln1664Lys). The frequency data for this variant in the population databases is considered unreliable, as metrics indicate poor data quality at this position in the gnomAD database. This variant has not been reported in the literature in individuals affected with MYO15A-related conditions. ClinVar contains an entry for this variant (Variation ID: 592990). Invitae Evidence Modeling of protein sequence and biophysical properties (such as structural, functional, and spatial information, amino acid conservation, physicochemical variation, residue mobility, and thermodynamic stability) has been performed for this missense variant. However, the output from this modeling did not meet the statistical confidence thresholds required to predict the impact of this variant on MYO15A protein function. In summary, the available evidence is currently insufficient to determine the role of this variant in disease. Therefore, it has been classified as a Variant of Uncertain Significance.

Eurofins Ntd Llc (ga)
Classification: Uncertain significance. Last evaluated: 2017-07-17. Review status: criteria provided, single submitter. Criteria: EGL Classification Definitions 2015. Collection method: clinical testing. Allele origin: germline. Observed: 1 variant allele, 1 heterozygote.

NM_016239.4(MYO15A):c.4990C>A (p.Gln1664Lys)

Gene: MYO15A (myosin XVA; plus strand). Cytogenetic location: 17p11.2.
Variant type: single nucleotide variant.
Coding change: c.4990C>A on transcript NM_016239.4 (MANE Select); coding-DNA position 4990, C replaced by A.
Protein change: p.Gln1664Lys; replaces glutamine 1664 with lysine.
Molecular consequence: missense variant.
Genome position (GRCh38, 1-based): chr17:18,138,229, C>A. VCF-style: chr17-18138229-C-A. GRCh37 (hg19) VCF-style: chr17-18041543-C-A.
Other names: short protein forms Q1664K.
Identifiers: ClinVar variation 592990 (VCV000592990.7), dbSNP rs374989174, ClinGen allele CA8424099.